The following is an entry in ClinVar:

ClinVar aggregate classification (germline): Uncertain significance (1 of 4 stars; one submission).

Conditions:
Dyskeratosis congenita. Identifiers: Orphanet 1775, MedGen C0265965, MONDO:0015780.

Allele frequency attached by ClinVar (database versions not stated): TOPMed below 0.00001.

Submission:

Labcorp Genetics (formerly Invitae), Labcorp
Classification: Uncertain significance for Dyskeratosis congenita. Last evaluated: 2023-03-22. Review status: criteria provided, single submitter. Criteria: Invitae Variant Classification Sherloc (09022015). Collection method: clinical testing. Allele origin: germline.
Comment: An algorithm developed to predict the effect of missense changes on protein structure and function (PolyPhen-2) suggests that this variant is likely to be disruptive. In summary, the available evidence is currently insufficient to determine the role of this variant in disease. Therefore, it has been classified as a Variant of Uncertain Significance. This sequence change replaces tyrosine, which is neutral and polar, with asparagine, which is neutral and polar, at codon 107 of the NHP2 protein (p.Tyr107Asn). This variant is not present in population databases (gnomAD no frequency). This variant has not been reported in the literature in individuals affected with NHP2-related conditions.

NM_017838.4(NHP2):c.319T>A (p.Tyr107Asn)

Gene: NHP2 (NHP2 ribonucleoprotein; minus strand). Cytogenetic location: 5q35.3.
Variant type: single nucleotide variant.
Coding change: c.319T>A on transcript NM_017838.4 (MANE Select); coding-DNA position 319, T replaced by A.
Protein change: p.Tyr107Asn; replaces tyrosine 107 with asparagine.
Molecular consequence: missense variant. On other transcripts: intron variant (1).
Genome position (GRCh38, 1-based): chr5:178,150,905, A>T on the plus strand (T>A on the coding strand, the complement: NHP2 is on the minus strand). VCF-style: chr5-178150905-A-T. GRCh37 (hg19) VCF-style: chr5-177577906-A-T.
Other names: c.319T>A, p.Tyr107Asn (NM_001396110.1); c.231-1067T>A (NM_001034833.2); short protein forms Y107N.
Identifiers: ClinVar variation 2883934 (VCV002883934.3), dbSNP rs1756261161, ClinGen allele CA362391753.